The following is an entry in ClinVar:

NM_020884.7(MYH7B):c.554T>C (p.Val185Ala)

Gene: MYH7B (myosin heavy chain 7B; plus strand). Cytogenetic location: 20q11.22.
Variant type: single nucleotide variant.
Coding change: c.554T>C on transcript NM_020884.7 (MANE Select); coding-DNA position 554, T replaced by C.
Protein change: p.Val185Ala; replaces valine 185 with alanine.
Molecular consequence: missense variant.
Genome position (GRCh38, 1-based): chr20:34,982,485, T>C. VCF-style: chr20-34982485-T-C. GRCh37 (hg19) VCF-style: chr20-33570288-T-C.
Other names: short protein forms V185A.
Identifiers: ClinVar variation 4534711 (VCV004534711.6).

ClinVar aggregate classification (germline): Uncertain significance (1 of 4 stars; one submission).

Submission:

CeGaT Center for Human Genetics Tuebingen
Classification: Uncertain significance. Last evaluated: 2025-11-01. Review status: criteria provided, single submitter. Criteria: CeGaT Center For Human Genetics Tuebingen Variant Classification Criteria Version 2. Collection method: clinical testing. Allele origin: germline. Affected: yes. Observed: 1 variant allele.
Comment: MYH7B: PM2, PP3